The following is an entry in ClinVar:

ClinVar aggregate classification (germline): Likely pathogenic (1 of 4 stars; one submission).

Conditions:
Autosomal recessive congenital ichthyosis 10 (ARCI10). Identifiers: Orphanet 79394, MedGen C3554355, MONDO:0014011, OMIM 615024.

Submission:

Genetics Department, Catlab
Classification: Likely pathogenic for Autosomal recessive congenital ichthyosis 10. Last evaluated: 2025-01-13. Review status: criteria provided, single submitter. Criteria: ACMG Guidelines, 2015. Collection method: clinical testing. Allele origin: germline. Affected: yes. Observed: 1 variant allele.
Comment: The c.655C>T variant in the PNPLA1 gene is a loss of function variant predicted to undergo nonsense mediated decay, and loss of function variants have been described as a causing mechanism for the gene (PVS1). The variant is not present in the gnomAD 4.0 database (PM2). With all the available evidence, the variant is classified as likely pathogenic.

NM_001374623.1(PNPLA1):c.655C>T (p.Gln219Ter)

Gene: PNPLA1 (patatin like domain 1, omega-hydroxyceramide transacylase; plus strand). Cytogenetic location: 6p21.31.
Variant type: single nucleotide variant.
Coding change: c.655C>T on transcript NM_001374623.1 (MANE Select); coding-DNA position 655, C replaced by T.
Protein change: p.Gln219Ter; replaces glutamine 219 with a stop codon.
Molecular consequence: nonsense.
Genome position (GRCh38, 1-based): chr6:36,294,340, C>T. VCF-style: chr6-36294340-C-T. GRCh37 (hg19) VCF-style: chr6-36262117-C-T.
Other names: c.397C>T, p.Gln133Ter (NM_001145716.2); c.655C>T, p.Gln219Ter (NM_001145717.1); c.370C>T, p.Gln124Ter (NM_173676.2); short protein forms Q124*, Q133*, Q219*.
Identifiers: ClinVar variation 3899872 (VCV003899872.1).